The following is an entry in ClinVar:

NM_020778.5(ALPK3):c.4328T>C (p.Ile1443Thr)

Gene: ALPK3 (alpha kinase 3; plus strand). Cytogenetic location: 15q25.3.
Variant type: single nucleotide variant.
Coding change: c.4328T>C on transcript NM_020778.5 (MANE Select); coding-DNA position 4328, T replaced by C.
Protein change: p.Ile1443Thr; replaces isoleucine 1443 with threonine.
Molecular consequence: missense variant.
Genome position (GRCh38, 1-based): chr15:84,862,833, T>C. VCF-style: chr15-84862833-T-C. GRCh37 (hg19) VCF-style: chr15-85406064-T-C.
Other names: c.4934T>C (NM_020778.4); short protein forms I1443T.
Identifiers: ClinVar variation 2171545 (VCV002171545.6), dbSNP rs374830757, ClinGen allele CA273631425.

ClinVar aggregate classification (germline): Uncertain significance. Review status: criteria provided, multiple submitters, no conflicts (2 of 4 stars). 3 submissions from 3 submitters: Uncertain significance (3). Last evaluated 2026-03-17.

Conditions:
Cardiovascular phenotype. Identifiers: MedGen CN230736.

Allele frequency attached by ClinVar (database versions not stated): gnomAD exomes below 0.00001; TOPMed below 0.00001.

Submissions (3):

Women's Health and Genetics/Laboratory Corporation of America, LabCorp
Classification: Uncertain significance. Last evaluated: 2026-03-17. Review status: criteria provided, single submitter. Criteria: LabCorp Variant Classification Summary - May 2015. Collection method: clinical testing. Allele origin: germline.

Ambry Genetics
Classification: Uncertain significance for Cardiovascular phenotype. Last evaluated: 2023-10-15. Review status: criteria provided, single submitter. Criteria: Ambry Variant Classification Scheme 2023. Collection method: clinical testing. Allele origin: germline.
Comment: The p.I1645T variant (also known as c.4934T>C), located in coding exon 10 of the ALPK3 gene, results from a T to C substitution at nucleotide position 4934. The isoleucine at codon 1645 is replaced by threonine, an amino acid with similar properties. This amino acid position is conserved. In addition, this alteration is predicted to be tolerated by in silico analysis. Since supporting evidence is limited at this time, the clinical significance of this alteration remains unclear.

Labcorp Genetics (formerly Invitae), Labcorp
Classification: Uncertain significance. Last evaluated: 2022-07-17. Review status: criteria provided, single submitter. Criteria: Invitae Variant Classification Sherloc (09022015). Collection method: clinical testing. Allele origin: germline.
Comment: This variant is present in population databases (rs374830757, gnomAD 0.006%). This variant has not been reported in the literature in individuals affected with ALPK3-related conditions. Algorithms developed to predict the effect of missense changes on protein structure and function are either unavailable or do not agree on the potential impact of this missense change (SIFT: "Deleterious"; PolyPhen-2: "Possibly Damaging"; Align-GVGD: "Class C0"). In summary, the available evidence is currently insufficient to determine the role of this variant in disease. Therefore, it has been classified as a Variant of Uncertain Significance. This sequence change replaces isoleucine, which is neutral and non-polar, with threonine, which is neutral and polar, at codon 1645 of the ALPK3 protein (p.Ile1645Thr).